The following is an entry in ClinVar:

ClinVar aggregate classification (germline): Uncertain significance (1 of 4 stars; one submission).

gnomAD v4.1: 51 of 1,613,006 alleles (0.0032%); highest among the groups gnomAD compares: East Asian, 0.049%; no homozygotes.

Submission:

Labcorp Genetics (formerly Invitae), Labcorp
Classification: Uncertain significance. Last evaluated: 2025-04-08. Review status: criteria provided, single submitter. Criteria: Invitae Variant Classification Sherloc (09022015). Collection method: clinical testing. Allele origin: germline.
Comment: This sequence change replaces arginine, which is basic and polar, with glutamine, which is neutral and polar, at codon 947 of the MYO6 protein (p.Arg947Gln). This variant is present in population databases (rs377681616, gnomAD 0.1%). This variant has not been reported in the literature in individuals affected with MYO6-related conditions. Invitae Evidence Modeling of protein sequence and biophysical properties (such as structural, functional, and spatial information, amino acid conservation, physicochemical variation, residue mobility, and thermodynamic stability) indicates that this missense variant is not expected to disrupt MYO6 protein function with a negative predictive value of 80%. In summary, the available evidence is currently insufficient to determine the role of this variant in disease. Therefore, it has been classified as a Variant of Uncertain Significance.

NM_004999.4(MYO6):c.2840G>A (p.Arg947Gln)

Gene: MYO6 (myosin VI; plus strand). Cytogenetic location: 6q14.1.
Variant type: single nucleotide variant.
Coding change: c.2840G>A on transcript NM_004999.4 (MANE Select); coding-DNA position 2840, G replaced by A.
Protein change: p.Arg947Gln; replaces arginine 947 with glutamine.
Molecular consequence: missense variant. On other transcripts: non-coding transcript variant (1).
Genome position (GRCh38, 1-based): chr6:75,890,238, G>A. VCF-style: chr6-75890238-G-A. GRCh37 (hg19) VCF-style: chr6-76599955-G-A.
Other names: c.2840G>A, p.Arg947Gln (NM_001300899.2, NM_001368136.1, NM_001368137.1 and 2 more transcripts); c.2825G>A, p.Arg942Gln (NM_001368138.1); short protein forms R942Q, R947Q.
Identifiers: ClinVar variation 4806508 (VCV004806508.1).